The following is an entry in ClinVar:

ClinVar aggregate classification (germline): Uncertain significance (1 of 4 stars; one submission).

Conditions:
Familial sleep-related hypermotor epilepsy. Also called: Autosomal Dominant Sleep-Related Hypermotor (Hyperkinetic) Epilepsy. Identifiers: Orphanet 98784, MedGen C3696898, MONDO:0000030.

gnomAD v4.1: 4 of 1,614,218 alleles (0.00025%); highest among the groups gnomAD compares: Non-Finnish European, 0.00034%; no homozygotes.

Submission:

Labcorp Genetics (formerly Invitae), Labcorp
Classification: Uncertain significance. Last evaluated: 2024-12-22. Review status: criteria provided, single submitter. Criteria: Invitae Variant Classification Sherloc (09022015). Collection method: clinical testing. Allele origin: germline.
Comment: This sequence change replaces arginine, which is basic and polar, with glycine, which is neutral and non-polar, at codon 502 of the CHRNA2 protein (p.Arg502Gly). This variant is present in population databases (rs772487934, gnomAD 0.002%). This variant has not been reported in the literature in individuals affected with CHRNA2-related conditions. Invitae Evidence Modeling of protein sequence and biophysical properties (such as structural, functional, and spatial information, amino acid conservation, physicochemical variation, residue mobility, and thermodynamic stability) indicates that this missense variant is expected to disrupt CHRNA2 protein function with a positive predictive value of 80%. In summary, the available evidence is currently insufficient to determine the role of this variant in disease. Therefore, it has been classified as a Variant of Uncertain Significance.

NM_000742.4(CHRNA2):c.1504A>G (p.Arg502Gly)

Gene: CHRNA2 (cholinergic receptor nicotinic alpha 2 subunit; minus strand). Cytogenetic location: 8p21.2.
Variant type: single nucleotide variant.
Coding change: c.1504A>G on transcript NM_000742.4 (MANE Select); coding-DNA position 1504, A replaced by G.
Protein change: p.Arg502Gly; replaces arginine 502 with glycine.
Molecular consequence: missense variant.
Genome position (GRCh38, 1-based): chr8:27,461,715, T>C on the plus strand (A>G on the coding strand, the complement: CHRNA2 is on the minus strand). VCF-style: chr8-27461715-T-C. GRCh37 (hg19) VCF-style: chr8-27319232-T-C.
Other names: c.1459A>G, p.Arg487Gly (NM_001282455.2); c.1027A>G, p.Arg343Gly (NM_001347705.2, NM_001347706.2); c.910A>G, p.Arg304Gly (NM_001347707.2, NM_001347708.2); short protein forms R343G, R304G, R487G, R502G.
Identifiers: ClinVar variation 3707726 (VCV003707726.2).